The following is an entry in ClinVar:

ClinVar aggregate classification (germline): Uncertain significance. Review status: criteria provided, multiple submitters, no conflicts (2 of 4 stars). 2 submissions from 2 submitters: Uncertain significance (2). Last evaluated 2025-09-28.

Conditions:
Inborn genetic diseases. Identifiers: MedGen C0950123, MeSH D030342.

gnomAD v4.1: 1 of 1,613,868 alleles (0.000062%); highest among the groups gnomAD compares: African/African-American, 0.0013%; no homozygotes.

Submissions (2):

Ambry Genetics
Classification: Uncertain significance for Inborn genetic diseases. Last evaluated: 2025-09-28. Review status: criteria provided, single submitter. Criteria: Ambry Variant Classification Scheme 2023. Collection method: clinical testing. Allele origin: germline.

GeneDx
Classification: Uncertain significance. Last evaluated: 2024-09-19. Review status: criteria provided, single submitter. Criteria: GeneDx Variant Classification Process June 2021. Collection method: clinical testing. Allele origin: germline. Affected: yes.
Comment: Not observed at significant frequency in large population cohorts (gnomAD); In silico analysis indicates that this missense variant does not alter protein structure/function; Has not been previously published as pathogenic or benign to our knowledge

NM_015021.3(ZNF292):c.3549G>C (p.Gln1183His)

Gene: ZNF292 (zinc finger protein 292; plus strand). Cytogenetic location: 6q14.3.
Variant type: single nucleotide variant.
Coding change: c.3549G>C on transcript NM_015021.3 (MANE Select); coding-DNA position 3549, G replaced by C.
Protein change: p.Gln1183His; replaces glutamine 1183 with histidine.
Molecular consequence: missense variant.
Genome position (GRCh38, 1-based): chr6:87,257,178, G>C. VCF-style: chr6-87257178-G-C. GRCh37 (hg19) VCF-style: chr6-87966896-G-C.
Other names: c.3129G>C, p.Gln1043His (NM_001351444.2); short protein forms Q1043H, Q1183H.
Identifiers: ClinVar variation 3774212 (VCV003774212.2).